The following is an entry in ClinVar:

NM_000487.6(ARSA):c.200C>T (p.Pro67Leu)

Gene: ARSA (arylsulfatase A; minus strand). Cytogenetic location: 22q13.33.
Variant type: single nucleotide variant.
Coding change: c.200C>T on transcript NM_000487.6 (MANE Select); coding-DNA position 200, C replaced by T.
Protein change: p.Pro67Leu; replaces proline 67 with leucine.
Molecular consequence: missense variant. On other transcripts: intron variant (2).
Genome position (GRCh38, 1-based): chr22:50,627,580, G>A on the plus strand (C>T on the coding strand, the complement: ARSA is on the minus strand). VCF-style: chr22-50627580-G-A. GRCh37 (hg19) VCF-style: chr22-51066008-G-A.
Other names: NP_000478.3:p.(Pro67Leu); c.200C>T, p.Pro67Leu (NM_001085425.3, NM_001085426.3, NM_001085427.3); c.-34-174C>T (NM_001362782.2, NM_001085428.3); short protein forms P67L.
Identifiers: ClinVar variation 1447359 (VCV001447359.11), dbSNP rs765558965, ClinGen allele CA325531668.

ClinVar aggregate classification (germline): Uncertain significance. Review status: criteria provided, multiple submitters, no conflicts (2 of 4 stars). 4 submissions from 4 submitters: Uncertain significance (4). Last evaluated 2026-09-17.

Conditions:
Metachromatic leukodystrophy (MLD). Also called: ARSA DEFICIENCY; CEREBROSIDE SULFATASE DEFICIENCY; METACHROMATIC LEUKOENCEPHALOPATHY; Cerebral sclerosis diffuse metachromatic form; Arylsulfatase A Deficiency; SULFATIDE LIPIDOSIS. Identifiers: Orphanet 512, MedGen C0023522, MONDO:0018868, OMIM 250100.

Allele frequency attached by ClinVar (database versions not stated): gnomAD exomes below 0.00001.

Submissions (4):

Laboratory of Experimental Gene Therapy of Hereditary Metabolic Diseases, Research Centre for Medical Genetics
Classification: Uncertain significance for Metachromatic leukodystrophy. Last evaluated: 2026-09-17. Review status: criteria provided, single submitter. Criteria: ARSA MLD Assertion Criteria V2 2026 09 18. Collection method: clinical testing. Allele origin: germline. Inheritance: Autosomal recessive inheritance. Observed: 2 variant alleles, 2 compound heterozygotes.
Comment: Reassessed under ACMG/AMP 2015 with ClinGen SVI refinements and a Bayesian point framework (supporting=1, moderate=2, strong=4, very strong=8; 6-9 points=likely pathogenic; >=10 points=pathogenic). Final score: 2. Evidence applied: PM2_Supporting, PP3_Supporting. Observations from the present referral series were excluded from classification.

Women's Health and Genetics/Laboratory Corporation of America, LabCorp
Classification: Uncertain significance. Last evaluated: 2024-12-20. Review status: criteria provided, single submitter. Criteria: LabCorp Variant Classification Summary - May 2015. Collection method: clinical testing. Allele origin: germline.
Comment: Variant summary: ARSA c.200C>T (p.Pro67Leu) results in a non-conservative amino acid change in the encoded protein sequence. Four of four in-silico tools predict a damaging effect of the variant on protein function. The variant was absent in 170038 control chromosomes (gnomAD). The available data on variant occurrences in the general population are insufficient to allow any conclusion about variant significance. c.200C>T has been reported in the literature in at least an individual affected with metachromatic leukodystrophy (example: Fumagalli_2020). These data do not allow any conclusion about variant significance. To our knowledge, no experimental evidence demonstrating an impact on protein function has been reported. The following publication has been ascertained in the context of this evaluation (PMID: 33855715). ClinVar contains an entry for this variant (Variation ID: 1447359). Based on the evidence outlined above, the variant was classified as uncertain significance.

Labcorp Genetics (formerly Invitae), Labcorp
Classification: Uncertain significance for Metachromatic leukodystrophy. Last evaluated: 2024-02-26. Review status: criteria provided, single submitter. Criteria: Invitae Variant Classification Sherloc (09022015). Collection method: clinical testing. Allele origin: germline.
Comment: This sequence change replaces proline, which is neutral and non-polar, with leucine, which is neutral and non-polar, at codon 67 of the ARSA protein (p.Pro67Leu). This variant is not present in population databases (gnomAD no frequency). This missense change has been observed in individual(s) with metachromatic leukodystrophy (PMID: 33855715). ClinVar contains an entry for this variant (Variation ID: 1447359). Advanced modeling of protein sequence and biophysical properties (such as structural, functional, and spatial information, amino acid conservation, physicochemical variation, residue mobility, and thermodynamic stability) performed at Invitae indicates that this missense variant is expected to disrupt ARSA protein function with a positive predictive value of 95%. In summary, the available evidence is currently insufficient to determine the role of this variant in disease. Therefore, it has been classified as a Variant of Uncertain Significance.

Blueprint Genetics
Classification: Uncertain significance. Last evaluated: 2021-03-03. Review status: criteria provided, single submitter. Criteria: ACMG Guidelines, 2015. Collection method: clinical testing. Allele origin: germline.

Literature cited by the submitters: PubMed 33855715 (cited by Women's Health and Genetics/Laboratory Corporation of America, LabCorp and Labcorp Genetics (formerly Invitae), Labcorp).